The following is an entry in ClinVar:

NM_182914.3(SYNE2):c.15916G>A (p.Val5306Met)

Gene: SYNE2 (spectrin repeat containing nuclear envelope protein 2; plus strand). Cytogenetic location: 14q23.2.
Variant type: single nucleotide variant.
Coding change: c.15916G>A on transcript NM_182914.3 (MANE Select); coding-DNA position 15916, G replaced by A.
Protein change: p.Val5306Met; replaces valine 5306 with methionine.
Molecular consequence: missense variant.
Genome position (GRCh38, 1-based): chr14:64,158,748, G>A. VCF-style: chr14-64158748-G-A. GRCh37 (hg19) VCF-style: chr14-64625466-G-A.
Other names: c.15916G>A, p.Val5306Met (NM_015180.6); short protein forms V5306M.
Identifiers: ClinVar variation 1995911 (VCV001995911.4), dbSNP rs2549527292, ClinGen allele CA389954858.
Genomic context (GRCh38, chr14:64,158,748, plus strand): 5'-TATGATGAAGTGAATATGATGACAATCCGATTCTGGTACTGCATGGAACACAGCAAGCCT[G>A]TGGTGTTATCATTGGAGACCTTGAGATGCCAGGTGGAGAACCTTCAGGTAAATTAACCAG-3'
Protein context (NP_878918.2, residues 5296-5316): FWYCMEHSKP[Val5306Met]VLSLETLRCQ

ClinVar aggregate classification (germline): Uncertain significance (1 of 4 stars; one submission).

Conditions:
Emery-Dreifuss muscular dystrophy 5, autosomal dominant (EDMD5). Also called: EMERY-DREIFUSS MUSCULAR DYSTROPHY 5. Identifiers: Orphanet 261, MedGen C2751805, MONDO:0013072, OMIM 612999.

Submission:

Labcorp Genetics (formerly Invitae), Labcorp
Classification: Uncertain significance for Emery-Dreifuss muscular dystrophy 5, autosomal dominant. Last evaluated: 2024-05-29. Review status: criteria provided, single submitter. Criteria: Invitae Variant Classification Sherloc (09022015). Collection method: clinical testing. Allele origin: germline.
Comment: This sequence change replaces valine, which is neutral and non-polar, with methionine, which is neutral and non-polar, at codon 5306 of the SYNE2 protein (p.Val5306Met). This variant is not present in population databases (gnomAD no frequency). This variant has not been reported in the literature in individuals affected with SYNE2-related conditions. ClinVar contains an entry for this variant (Variation ID: 1995911). An algorithm developed to predict the effect of missense changes on protein structure and function (PolyPhen-2) suggests that this variant is likely to be disruptive. In summary, the available evidence is currently insufficient to determine the role of this variant in disease. Therefore, it has been classified as a Variant of Uncertain Significance.